The following is an entry in ClinVar:

ClinVar aggregate classification (germline): Uncertain significance (1 of 4 stars; one submission).

Conditions:
Catecholaminergic polymorphic ventricular tachycardia 1. Also called: RYR2-Related Catecholaminergic Polymorphic Ventricular Tachycardia; VENTRICULAR TACHYCARDIA, CATECHOLAMINERGIC POLYMORPHIC, 1, WITH OR WITHOUT ATRIAL DYSFUNCTION AND/OR DILATED CARDIOMYOPATHY; VENTRICULAR TACHYCARDIA, STRESS-INDUCED POLYMORPHIC 1. Identifiers: Orphanet 3286, MedGen C1631597, MONDO:0011484, OMIM 604772.

Submission:

Labcorp Genetics (formerly Invitae), Labcorp
Classification: Uncertain significance for Catecholaminergic polymorphic ventricular tachycardia 1. Last evaluated: 2022-07-25. Review status: criteria provided, single submitter. Criteria: Invitae Variant Classification Sherloc (09022015). Collection method: clinical testing. Allele origin: germline.
Comment: In summary, the available evidence is currently insufficient to determine the role of this variant in disease. Therefore, it has been classified as a Variant of Uncertain Significance. Advanced modeling of protein sequence and biophysical properties (such as structural, functional, and spatial information, amino acid conservation, physicochemical variation, residue mobility, and thermodynamic stability) performed at Invitae indicates that this missense variant is expected to disrupt RYR2 protein function. ClinVar contains an entry for this variant (Variation ID: 569080). This variant has not been reported in the literature in individuals affected with RYR2-related conditions. This variant is not present in population databases (gnomAD no frequency). This sequence change replaces serine, which is neutral and polar, with threonine, which is neutral and polar, at codon 170 of the RYR2 protein (p.Ser170Thr).

NM_001035.3(RYR2):c.508T>A (p.Ser170Thr)

Gene: RYR2 (ryanodine receptor 2; plus strand). Cytogenetic location: 1q43.
Variant type: single nucleotide variant.
Coding change: c.508T>A on transcript NM_001035.3 (MANE Select); coding-DNA position 508, T replaced by A.
Protein change: p.Ser170Thr; replaces serine 170 with threonine.
Molecular consequence: missense variant.
Genome position (GRCh38, 1-based): chr1:237,377,367, T>A. VCF-style: chr1-237377367-T-A. GRCh37 (hg19) VCF-style: chr1-237540667-T-A.
Other names: c.508T>A, p.Ser170Thr (LRG_402t1); short protein forms S170T.
Identifiers: ClinVar variation 569080 (VCV000569080.10), dbSNP rs1558712336, ClinGen allele CA345375541.